The following is an entry in ClinVar:

NM_016203.4(PRKAG2):c.447T>A (p.Phe149Leu)

Gene: PRKAG2 (protein kinase AMP-activated non-catalytic subunit gamma 2; minus strand). Cytogenetic location: 7q36.1.
Variant type: single nucleotide variant.
Coding change: c.447T>A on transcript NM_016203.4 (MANE Select); coding-DNA position 447, T replaced by A.
Protein change: p.Phe149Leu; replaces phenylalanine 149 with leucine.
Molecular consequence: missense variant.
Genome position (GRCh38, 1-based): chr7:151,781,171, A>T on the plus strand (T>A on the coding strand, the complement: PRKAG2 is on the minus strand). VCF-style: chr7-151781171-A-T. GRCh37 (hg19) VCF-style: chr7-151478257-A-T.
Other names: c.315T>A, p.Phe105Leu (NM_001040633.2); short protein forms F105L, F149L.
Identifiers: ClinVar variation 1332688 (VCV001332688.3), dbSNP rs1490431197, ClinGen allele CA370069220.

ClinVar aggregate classification (germline): Uncertain significance (1 of 4 stars; one submission).

Conditions:
Cardiomyopathy (CMYO). Also called: Cardiomyopathies. Identifiers: Orphanet 167848, MedGen C0878544, MONDO:0004994, HP:0001638. Inheritance: Various modes of inheritance.

Submission:

Color Diagnostics, LLC DBA Color Health
Classification: Uncertain significance for Cardiomyopathy. Last evaluated: 2024-03-06. Review status: criteria provided, single submitter. Criteria: ACMG Guidelines, 2015. Collection method: clinical testing. Allele origin: germline.
Comment: This missense variant replaces phenylalanine with leucine at codon 149 of the PRKAG2 protein. Computational prediction suggests that this variant may not impact protein structure and function (internally defined REVEL score threshold <= 0.5, PMID: 27666373). To our knowledge, functional studies have not been reported for this variant. This variant has not been reported in individuals affected with cardiovascular disorders in the literature. This variant has not been identified in the general population by the Genome Aggregation Database (gnomAD). The available evidence is insufficient to determine the role of this variant in disease conclusively. Therefore, this variant is classified as a Variant of Uncertain Significance.